The following is an entry in ClinVar:

ClinVar aggregate classification (germline): Uncertain significance. Review status: criteria provided, single submitter (1 of 4 stars). 2 submissions from 2 submitters: Uncertain significance (1). 1 of the submissions does not count toward it. Last evaluated 2023-08-29.

Conditions:
Familial cancer of breast. Also called: BREAST CANCER, FAMILIAL; Hereditary breast cancer; hereditary breast carcinoma. Identifiers: Orphanet 227535, MedGen C0346153, MONDO:0016419, OMIM 114480. Disease mechanism: loss of function.

Submissions (2):

Ophthalmic Genetics Group, Institute of Molecular and Clinical Ophthalmology Basel
Classification: Uncertain significance for Familial cancer of breast. Last evaluated: 2023-08-29. Review status: criteria provided, single submitter. Criteria: ACMG Guidelines, 2015. Collection method: curation. Allele origin: unknown.
Comment: Clinical significance based on ACMG v2.0

This variant was classified as Uncertain significance based on ACMG criteria: PM2.

Department of Zoology Govt. MVM College
Classification: Likely pathogenic for Familial cancer of breast. Review status: no assertion criteria provided. Collection method: not provided. Allele origin: unknown. Not counted in ClinVar's aggregate classification.
Comment: KM276946;KM275486;KM276951;KM276952;KM276956;KM276958;KM276949;KM275489;KM275490;KM276994;KM276948;KM276950;KM276955;KM276959;KM277001;KM277002;KM277003;KM276995;KM276996;KM268024;KM268025;KM270508;KM270509;KM270511;KM270512;KM276992;KM270513;KM270514;KM270515;KM272010;KM272011;KM273783;KM272012;KM273785 KM273786 KM276970 KM276971 KM276962 KM276973 KM276974 KM276975 KM276963 KM276976 KM276989 KM276990 KM276967 KM276986 KM276969 KM276979 KM276981 KM276982 KM276983 KM276985 KM276965 KM276998
ClinVar note: Converted during submission from probable-pathogenic to Likely pathogenic.

NC_012920.1(MT-TE):m.14732A>G

Gene: MT-TE (mitochondrially encoded tRNA glutamic acid; minus strand).
Variant type: single nucleotide variant.
Genome position: chrM-14732-A-G.
Identifiers: ClinVar variation 143918 (VCV000143918.4), dbSNP rs527236202, ClinGen allele CA270625.